The following is an entry in ClinVar:

NM_001009944.3(PKD1):c.12866G>T (p.Arg4289Met)

Gene: PKD1 (polycystin 1, transient receptor potential channel interacting; minus strand). Cytogenetic location: 16p13.3.
Variant type: single nucleotide variant.
Coding change: c.12866G>T on transcript NM_001009944.3 (MANE Select); coding-DNA position 12866, G replaced by T.
Protein change: p.Arg4289Met; replaces arginine 4289 with methionine.
Molecular consequence: missense variant.
Genome position (GRCh38, 1-based): chr16:2,089,773, C>A on the plus strand (G>T on the coding strand, the complement: PKD1 is on the minus strand). VCF-style: chr16-2089773-C-A. GRCh37 (hg19) VCF-style: chr16-2139774-C-A.
Other names: c.12863G>T, p.Arg4288Met (NM_000296.4); short protein forms R4288M, R4289M.
Identifiers: ClinVar variation 4056729 (VCV004056729.1).

ClinVar aggregate classification (germline): Uncertain significance (1 of 4 stars; one submission).

Conditions:
Polycystic kidney disease, adult type (PKD1). Also called: POLYCYSTIC KIDNEY DISEASE, ADULT, TYPE I; Polycystic Kidney Disease 1, Autosomal Dominant; Polycystic kidney disease 1; Polycystic kidney disease 1, severe; Polycystic Kidney, Autosomal Dominant; POLYCYSTIC KIDNEY DISEASE 1 WITH OR WITHOUT POLYCYSTIC LIVER DISEASE. Identifiers: MedGen C3149841, MONDO:0008263, OMIM 173900.

Submission:

Laboratorio de Genetica e Diagnostico Molecular, Hospital Israelita Albert Einstein
Classification: Uncertain significance for Polycystic kidney disease, adult type. Last evaluated: 2024-06-06. Review status: criteria provided, single submitter. Criteria: ACMG Guidelines, 2015. Collection method: clinical testing. Allele origin: germline. Affected: yes.
Comment: ACMG classification criteria: PM2 supporting, BP4 supporting